The following is an entry in ClinVar:

NM_000465.4(BARD1):c.1247T>G (p.Leu416Arg)

Gene: BARD1 (BRCA1 associated RING domain 1; minus strand). Cytogenetic location: 2q35.
Variant type: single nucleotide variant.
Coding change: c.1247T>G on transcript NM_000465.4 (MANE Select); coding-DNA position 1247, T replaced by G.
Protein change: p.Leu416Arg; replaces leucine 416 with arginine.
Molecular consequence: missense variant. On other transcripts: non-coding transcript variant (2), intron variant (3).
Genome position (GRCh38, 1-based): chr2:214,780,627, A>C on the plus strand (T>G on the coding strand, the complement: BARD1 is on the minus strand). VCF-style: chr2-214780627-A-C. GRCh37 (hg19) VCF-style: chr2-215645351-A-C.
Other names: c.1190T>G, p.Leu397Arg (NM_001282543.2); c.159-28072T>G (NM_001282548.2); c.215+16434T>G (NM_001282545.2); c.364+11670T>G (NM_001282549.2); short protein forms L416R, L397R.
Identifiers: ClinVar variation 237815 (VCV000237815.36), dbSNP rs878853996, ClinGen allele CA10581930.

ClinVar aggregate classification (germline): Conflicting classifications of pathogenicity. Review status: criteria provided, conflicting classifications (1 of 4 stars). 13 submissions from 13 submitters: Uncertain significance (11); Likely benign (1). 1 of the submissions does not count toward it. Last evaluated 2026-09-21.

Conditions:
BARD1-related disorder. Also called: BARD1-related condition.
Hereditary cancer-predisposing syndrome. Also called: Neoplastic Syndromes, Hereditary; Hereditary neoplastic syndrome; Hereditary Cancer Syndrome; Tumor predisposition. Identifiers: Orphanet 140162, MedGen C0027672, MeSH D009386, MONDO:0015356.
Hepatoblastoma. Identifiers: Orphanet 449, MedGen C0206624, MONDO:0018666, HP:0002884.
Familial cancer of breast. Also called: BREAST CANCER, FAMILIAL; Hereditary breast cancer; hereditary breast carcinoma. Identifiers: Orphanet 227535, MedGen C0346153, MONDO:0016419, OMIM 114480. Disease mechanism: loss of function.

Allele frequency attached by ClinVar (database versions not stated): gnomAD exomes below 0.00001; gnomAD 0.00003; TOPMed 0.00003.
gnomAD v4.1: 10 of 1,613,994 alleles (0.00062%); highest among the groups gnomAD compares: Admixed American, 0.012%; no homozygotes.

Submissions (13):

PreventionGenetics, part of Exact Sciences
Classification: Uncertain significance for BARD1-related condition. Last evaluated: 2026-09-21. Review status: criteria provided, single submitter. Criteria: ACMG Guidelines, 2015. Collection method: clinical testing. Allele origin: germline.
Comment: The BARD1 c.1247T>G variant is predicted to result in the amino acid substitution p.Leu416Arg. This variant was reported in an individual with hepatoblastoma, in individuals with breast cancer, and in an individual with Ewing sarcoma (Aguiar et al. 2022. PubMed ID: 35495172; Table S3, Guindalini et al. 2022. PubMed ID: 35264596; Table S3, de Oliveira et al. 2022. PubMed ID: 35534704; Maurer et al. 2022. PubMed ID: 36187937). This variant has not been reported in a large population database (gnomAD), indicating this variant is rare. This variant has conflicting interpretations in ClinVar ranging from uncertain to likely benign (Variation ID: 237815). At this time, the clinical significance of this variant is uncertain due to the absence of conclusive functional and genetic evidence.

Labcorp Genetics (formerly Invitae), Labcorp
Classification: Uncertain significance for Familial cancer of breast. Last evaluated: 2025-12-09. Review status: criteria provided, single submitter. Criteria: Invitae Variant Classification Sherloc (09022015). Collection method: clinical testing. Allele origin: germline.
Comment: This sequence change replaces leucine, which is neutral and non-polar, with arginine, which is basic and polar, at codon 416 of the BARD1 protein (p.Leu416Arg). This variant is not present in population databases (gnomAD no frequency). This missense change has been observed in individual(s) with osteosarcoma or hepatoblastoma (PMID: 26580448, 35264596, 35495172, 35534704, 36187937). ClinVar contains an entry for this variant (Variation ID: 237815). An algorithm developed to predict the effect of missense changes on protein structure and function (PolyPhen-2) suggests that this variant is likely to be tolerated. In summary, the available evidence is currently insufficient to determine the role of this variant in disease. Therefore, it has been classified as a Variant of Uncertain Significance.

Mendelics
Classification: Likely benign for Familial cancer of breast. Last evaluated: 2025-04-11. Review status: criteria provided, single submitter. Criteria: Mendelics Assertion Criteria 2017. Collection method: clinical testing. Allele origin: unknown.
Comment: Variant NM_000465.4(BARD1):c.1247T>G (p.Leu416Arg) has frequency in Mendelics controls as well as in GnomAD v. 4.1.0 (0.000006196 with 10 alleles). Predictors benign.

Quest Diagnostics Nichols Institute San Juan Capistrano
Classification: Uncertain significance. Last evaluated: 2024-12-29. Review status: criteria provided, single submitter. Criteria: Quest Diagnostics criteria. Collection method: clinical testing. Allele origin: unknown.
Comment: The BARD1 c.1247T>G (p.Leu416Arg) variant has been reported in the published literature in individuals with breast cancer (PMIDs: 35264596 (2022) and 35534704 (2022)), osteosarcoma (PMIDs: 26580448 (2015) and 36187937 (2022)), and hepatoblastoma (PMID: 35495172 (2022)). The frequency of this variant in the general population (Genome Aggregation Database) is higher than would generally be expected for pathogenic variants in this gene. Analysis of this variant using bioinformatics tools for the prediction of the effect of amino acid changes on protein structure and function yielded predictions that this variant is benign. Based on the available information, we are unable to determine the clinical significance of this variant.

Ambry Genetics
Classification: Uncertain significance for Hereditary cancer-predisposing syndrome. Last evaluated: 2024-03-26. Review status: criteria provided, single submitter. Criteria: Ambry Variant Classification Scheme 2023. Collection method: clinical testing. Allele origin: germline.
Comment: The p.L416R variant (also known as c.1247T>G), located in coding exon 4 of the BARD1 gene, results from a T to G substitution at nucleotide position 1247. The leucine at codon 416 is replaced by arginine, an amino acid with dissimilar properties. This alteration was detected in a cohort of 1663 Brazilian breast cancer patients who underwent hereditary multigene panel testing (Guindalini RSC et al. Sci Rep, 2022 Mar;12:4190). This variant has also been reported in 1/1120 pediatric cancer patients who underwent whole genome sequencing and/or whole exome sequencing; this patient was diagnosed with osteosarcoma (Zhang J et al. N Engl J Med, 2015 Dec;373:2336-2346). This amino acid position is not well conserved in available vertebrate species. In addition, this alteration is predicted to be tolerated by in silico analysis. Since supporting evidence is limited at this time, the clinical significance of this alteration remains unclear.

Baylor Genetics
Classification: Uncertain significance for Familial cancer of breast. Last evaluated: 2024-03-25. Review status: criteria provided, single submitter. Criteria: ACMG Guidelines, 2015. Collection method: clinical testing. Allele origin: unknown.

St. Jude Molecular Pathology, St. Jude Children's Research Hospital
Classification: Uncertain significance for Familial cancer of breast. Last evaluated: 2024-01-08. Review status: criteria provided, single submitter. Criteria: St. Jude Assertion Criteria 2020. Collection method: clinical testing. Allele origin: germline.
Comment: The BARD1 c.1247T>G (p.Leu416Arg) missense change is absent in gnomAD v2.1.1. The in silico tool REVEL predicts a benign effect on protein function, but this prediction has not been confirmed by functional studies. This variant has not been reported in individuals with BARD1-related disease. In summary, the evidence currently available is insufficient to determine the clinical significance of this variant. It has therefore been classified as of uncertain significance.

GeneDx
Classification: Uncertain significance. Last evaluated: 2023-10-31. Review status: criteria provided, single submitter. Criteria: GeneDx Variant Classification Process June 2021. Collection method: clinical testing. Allele origin: germline. Affected: yes.
Comment: Not observed at significant frequency in large population cohorts (gnomAD); In silico analysis supports that this missense variant does not alter protein structure/function; This variant is associated with the following publications: (PMID: 35495172, 36187937, 35264596, 26580448)

Color Diagnostics, LLC DBA Color Health
Classification: Uncertain significance for Hereditary cancer-predisposing syndrome. Last evaluated: 2023-10-30. Review status: criteria provided, single submitter. Criteria: ACMG Guidelines, 2015. Collection method: clinical testing. Allele origin: germline.
Comment: This missense variant replaces leucine with arginine at codon 416 of the BARD1 protein. Computational prediction suggests that this variant may not impact protein structure and function (internally defined REVEL score threshold <= 0.5, PMID: 27666373). To our knowledge, functional studies have not been reported for this variant. This variant has been reported in an individual affected with osteosacroma (PMID: 26580448). This variant has not been identified in the general population by the Genome Aggregation Database (gnomAD). The available evidence is insufficient to determine the role of this variant in disease conclusively. Therefore, this variant is classified as a Variant of Uncertain Significance.

Women's Health and Genetics/Laboratory Corporation of America, LabCorp
Classification: Uncertain significance. Last evaluated: 2021-07-26. Review status: criteria provided, single submitter. Criteria: LabCorp Variant Classification Summary - May 2015. Collection method: clinical testing. Allele origin: germline.
Comment: Variant summary: BARD1 c.1247T>G (p.Leu416Arg) results in a non-conservative amino acid change in the encoded protein sequence. Four of five in-silico tools predict a benign effect of the variant on protein function. The variant was absent in 250928 control chromosomes (gnomAD). The available data on variant occurrences in the general population are insufficient to allow any conclusion about variant significance. c.1247T>G has been reported in the literature in an individual affected with Osteosacroma (Zhang_2015). This report however, does not provide unequivocal conclusions about association of the variant with Breast Cancer. To our knowledge, no experimental evidence demonstrating an impact on protein function has been reported. Four ClinVar submitters (evaluation after 2014) cite the variant as uncertain significance. Based on the evidence outlined above, the variant was classified as uncertain significance.

Laboratorio de Genetica e Diagnostico Molecular, Hospital Israelita Albert Einstein
Classification: Uncertain significance for Familial cancer of breast. Last evaluated: 2021-05-23. Review status: criteria provided, single submitter. Criteria: ACMG Guidelines, 2015. Collection method: clinical testing. Allele origin: germline. Affected: yes.
Comment: ACMG classification criteria: PM2 moderate, BP4 supporting

Sema4
Classification: Uncertain significance for Hereditary cancer-predisposing syndrome. Last evaluated: 2021-04-23. Review status: criteria provided, single submitter. Criteria: Sema4 Curation Guidelines. Collection method: curation. Allele origin: germline.
Comment: The BARD1 c.1247T>G (p.L416R) variant has not been reported in the literature to our knowledge. It was not observed in the large and broad cohorts of the Genome Aggregation Database (PMID: 32461654), but has been reported in ClinVar (Variation ID 237815). In silico tools suggest the impact of the variant on protein function is inconclusive, though these predictions have not been confirmed by functional studies. The evidence is insufficient to meet ACMG/AMP criteria for classifying the variant as benign or pathogenic. Thus, the clinical significance of this variant is currently uncertain.

Molecular Oncology -  Human Genetics Lab, University of Sao Paulo
Classification: Likely pathogenic for Hepatoblastoma. Review status: no assertion criteria provided. Collection method: research. Allele origin: germline. Affected: yes. Not counted in ClinVar's aggregate classification.

Literature cited by the submitters: PubMed 26580448 (cited by 5 submitters); PubMed 35264596 (cited by 3 submitters); PubMed 35495172 (cited by Labcorp Genetics (formerly Invitae), Labcorp and Quest Diagnostics Nichols Institute San Juan Capistrano); PubMed 35534704 (cited by Labcorp Genetics (formerly Invitae), Labcorp and Quest Diagnostics Nichols Institute San Juan Capistrano); PubMed 36187937 (cited by Labcorp Genetics (formerly Invitae), Labcorp and Quest Diagnostics Nichols Institute San Juan Capistrano).